The following is an entry in ClinVar:

NM_003091.4(SNRPB):c.252A>T (p.Gly84=)

Gene: SNRPB (small nuclear ribonucleoprotein polypeptides B and B1; minus strand). Cytogenetic location: 20p13.
Variant type: single nucleotide variant.
Coding change: c.252A>T on transcript NM_003091.4 (MANE Select); coding-DNA position 252, A replaced by T.
Protein change: p.Gly84=; no amino-acid change (glycine 84 retained).
Molecular consequence: synonymous variant.
Genome position (GRCh38, 1-based): chr20:2,465,723, T>A on the plus strand (A>T on the coding strand, the complement: SNRPB is on the minus strand). VCF-style: chr20-2465723-T-A. GRCh37 (hg19) VCF-style: chr20-2446369-T-A.
Other names: c.252A>T, p.Gly84= (NM_198216.2).
Identifiers: ClinVar variation 777297 (VCV000777297.14), dbSNP rs8124999, ClinGen allele CA9732489.

ClinVar aggregate classification (germline): Benign. Review status: criteria provided, multiple submitters, no conflicts (2 of 4 stars). 4 submissions from 4 submitters: Benign (3). 1 of the submissions does not count toward it. Last evaluated 2026-01-20.

Conditions:
SNRPB-related disorder. Also called: SNRPB-related condition.

Allele frequency attached by ClinVar (database versions not stated): gnomAD 0.01969; ExAC 0.00705; TOPMed 0.02344; 1000 Genomes Project 0.02776; ESP Exome Variant Server 0.02553; 1000 Genomes Project 30x 0.03092.
gnomAD v4.1: 5,945 of 1,611,242 alleles (0.37%); highest among the groups gnomAD compares: African/African-American, 7.1%; 201 homozygotes.

Submissions (4):

Labcorp Genetics (formerly Invitae), Labcorp
Classification: Benign. Last evaluated: 2026-01-20. Review status: criteria provided, single submitter. Criteria: Invitae Variant Classification Sherloc (09022015). Collection method: clinical testing. Allele origin: germline.

GeneDx
Classification: Benign. Last evaluated: 2021-05-05. Review status: criteria provided, single submitter. Criteria: GeneDx Variant Classification Process June 2021. Collection method: clinical testing. Allele origin: germline. Affected: yes.

Breakthrough Genomics
Classification: Benign. Review status: criteria provided, single submitter. Criteria: ACMG Guidelines, 2015. Collection method: not provided. Allele origin: germline. Inheritance: Autosomal dominant inheritance. Affected: yes.

PreventionGenetics, part of Exact Sciences
Classification: Benign for SNRPB-related condition. Last evaluated: 2019-09-11. Review status: no assertion criteria provided. Collection method: clinical testing. Allele origin: germline. Not counted in ClinVar's aggregate classification.
Comment: This variant is classified as benign based on ACMG/AMP sequence variant interpretation guidelines (Richards et al. 2015 PMID: 25741868, with internal and published modifications).